The following is an entry in ClinVar:

NM_024757.5(EHMT1):c.1456_1457delinsAA (p.Ser486Asn)

Gene: EHMT1 (euchromatic histone lysine methyltransferase 1; plus strand). Cytogenetic location: 9q34.3.
Variant type: Indel.
Coding change: c.1456_1457delinsAA on transcript NM_024757.5 (MANE Select); coding-DNA positions 1456 to 1457, TC replaced by AA.
Protein change: p.Ser486Asn; replaces serine 486 with asparagine.
Molecular consequence: missense variant.
Genome position (GRCh38, 1-based): chr9:137,757,966-137,757,967, TC replaced by AA. VCF-style: chr9-137757966-TC-AA. GRCh37 (hg19) VCF-style: chr9-140652418-TC-AA.
Other names: c.1456_1457delinsAA (NM_024757.4); c.1456_1457delinsAA, p.Ser486Asn (NM_001145527.2, NM_001354611.2); c.1363_1364delinsAA, p.Ser455Asn (NM_001354259.2, NM_001354612.2); c.1435_1436delinsAA, p.Ser479Asn (NM_001354263.2); short protein forms S455N, S486N, S479N.
Identifiers: ClinVar variation 569906 (VCV000569906.11), dbSNP rs1564704339, ClinGen allele CA891842588.

ClinVar aggregate classification (germline): Uncertain significance. Review status: criteria provided, multiple submitters, no conflicts (2 of 4 stars). 2 submissions from 2 submitters: Uncertain significance (2). Last evaluated 2021-11-24.

Conditions:
Kleefstra syndrome 1 (KLEFS1). Identifiers: Orphanet 261494, MedGen C0795833, MONDO:0027407, OMIM 610253.

Submissions (2):

GeneDx
Classification: Uncertain significance. Last evaluated: 2021-11-24. Review status: criteria provided, single submitter. Criteria: GeneDx Variant Classification Process June 2021. Collection method: clinical testing. Allele origin: germline. Affected: yes.
Comment: Not observed at significant frequency in large population cohorts (gnomAD); In silico analysis supports that this variant does not alter protein structure/function; Has not been previously published as pathogenic or benign to our knowledge

Labcorp Genetics (formerly Invitae), Labcorp
Classification: Uncertain significance for Kleefstra syndrome 1. Last evaluated: 2019-09-24. Review status: criteria provided, single submitter. Criteria: Invitae Variant Classification Sherloc (09022015). Collection method: clinical testing. Allele origin: germline.
Comment: In summary, the available evidence is currently insufficient to determine the role of this variant in disease. Therefore, it has been classified as a Variant of Uncertain Significance. Algorithms developed to predict the effect of missense changes on protein structure and function are either unavailable or do not agree on the potential impact of this missense change (SIFT: Not Available; PolyPhen-2: "Probably Damaging"; Align-GVGD: Not Available). This variant has not been reported in the literature in individuals with EHMT1-related disease. This variant is not present in population databases (ExAC no frequency). This sequence change replaces serine with asparagine at codon 486 of the EHMT1 protein (p.Ser486Asn). The serine residue is moderately conserved and there is a small physicochemical difference between serine and asparagine.